The following is an entry in ClinVar:

NM_001972.4(ELANE):c.169G>A (p.Ala57Thr)

Gene: ELANE (elastase, neutrophil expressed; plus strand). Cytogenetic location: 19p13.3.
Variant type: single nucleotide variant.
Coding change: c.169G>A on transcript NM_001972.4 (MANE Select); coding-DNA position 169, G replaced by A.
Protein change: p.Ala57Thr; replaces alanine 57 with threonine.
Molecular consequence: missense variant.
Genome position (GRCh38, 1-based): chr19:852,977, G>A. VCF-style: chr19-852977-G-A. GRCh37 (hg19) VCF-style: chr19-852977-G-A.
Other names: short protein forms A57T.
Identifiers: ClinVar variation 1495615 (VCV001495615.10), dbSNP rs2145144144, ClinGen allele CA402914708.

ClinVar aggregate classification (germline): Pathogenic/Likely pathogenic. Review status: criteria provided, multiple submitters, no conflicts (2 of 4 stars). 3 submissions from 3 submitters: Pathogenic (2); Likely pathogenic (1). Last evaluated 2024-05-06.

Conditions:
Cyclical neutropenia. Also called: Cyclic hematopoiesis; Cyclic Neutropenia. Identifiers: Orphanet 2686, MedGen C0221023, MONDO:0008090, OMIM 162800, HP:0040289. Disease mechanism: loss of function.
ELANE-related disorders.
Neutropenia, severe congenital, 1, autosomal dominant. Identifiers: MedGen C1859966, MONDO:0042490, OMIM 202700.

Submissions (3):

Labcorp Genetics (formerly Invitae), Labcorp
Classification: Pathogenic for Neutropenia, severe congenital, 1, autosomal dominant; Cyclical neutropenia. Last evaluated: 2024-05-06. Review status: criteria provided, single submitter. Criteria: Invitae Variant Classification Sherloc (09022015). Collection method: clinical testing. Allele origin: germline.
Comment: This sequence change replaces alanine, which is neutral and non-polar, with threonine, which is neutral and polar, at codon 57 of the ELANE protein (p.Ala57Thr). This variant is not present in population databases (gnomAD no frequency). This missense change has been observed in individuals with severe congenital neutropenia (PMID: 11001877, 25427142, 30171085). This variant is also known as A28T or p.Ala28Thr. ClinVar contains an entry for this variant (Variation ID: 1495615). Advanced modeling of protein sequence and biophysical properties (such as structural, functional, and spatial information, amino acid conservation, physicochemical variation, residue mobility, and thermodynamic stability) performed at Invitae indicates that this missense variant is expected to disrupt ELANE protein function with a positive predictive value of 95%. This variant disrupts the p.Ala57 amino acid residue in ELANE. Other variant(s) that disrupt this residue have been determined to be pathogenic (PMID: 20803142). This suggests that this residue is clinically significant, and that variants that disrupt this residue are likely to be disease-causing. For these reasons, this variant has been classified as Pathogenic.

Blueprint Genetics
Classification: Likely pathogenic for ELANE-related disorders. Last evaluated: 2023-10-11. Review status: criteria provided, single submitter. Criteria: ACMG Guidelines, 2015. Collection method: clinical testing. Allele origin: germline. Affected: yes. Observed: 1 variant allele.

Mendelics
Classification: Pathogenic for Cyclical neutropenia. Last evaluated: 2022-05-04. Review status: criteria provided, single submitter. Criteria: Mendelics Assertion Criteria 2019. Collection method: clinical testing. Allele origin: germline.

Literature cited by the submitters: PubMed 11001877 (cited by Labcorp Genetics (formerly Invitae), Labcorp); PubMed 25427142 (cited by Labcorp Genetics (formerly Invitae), Labcorp); PubMed 30171085 (cited by Labcorp Genetics (formerly Invitae), Labcorp); PubMed 20803142 (cited by Labcorp Genetics (formerly Invitae), Labcorp).